The following is an entry in ClinVar:

ClinVar aggregate classification (germline): Conflicting classifications of pathogenicity. Review status: criteria provided, conflicting classifications (1 of 4 stars). 8 submissions from 8 submitters: Uncertain significance (5); Likely benign (2). 1 of the submissions does not count toward it. Last evaluated 2025-11-07.

Conditions:
BRCA2-related cancer predisposition. Identifiers: MedGen CN377758, MONDO:0700269.
Hereditary cancer-predisposing syndrome. Also called: Hereditary neoplastic syndrome; Hereditary Cancer Syndrome; Neoplastic Syndromes, Hereditary; Tumor predisposition. Identifiers: Orphanet 140162, MedGen C0027672, MeSH D009386, MONDO:0015356.
Breast-ovarian cancer, familial, susceptibility to, 2 (BROVCA2). Also called: BRCA2 Hereditary Breast and Ovarian Cancer. Identifiers: Orphanet 145, MedGen C2675520, MONDO:0012933, OMIM 612555. Disease mechanism: loss of function.
Hereditary breast ovarian cancer syndrome. Also called: Hereditary breast and ovarian cancer syndrome; BRCA1- and BRCA2-Associated Hereditary Breast and Ovarian Cancer; Hereditary breast and/or ovarian cancer syndrome; Hereditary breast and ovarian cancer; Breast and ovarian cancer; Hereditary breast and ovarian cancer syndrome (HBOC). Identifiers: Orphanet 145, MedGen C0677776, MeSH D061325, MONDO:0003582. Disease mechanism: loss of function.
Familial cancer of breast. Also called: hereditary breast carcinoma; Hereditary breast cancer; BREAST CANCER, FAMILIAL. Identifiers: Orphanet 227535, MedGen C0346153, MONDO:0016419, OMIM 114480. Disease mechanism: loss of function.

Allele frequency attached by ClinVar (database versions not stated): gnomAD exomes below 0.00001.
gnomAD v4.1: 4 of 1,613,838 alleles (0.00025%); highest among the groups gnomAD compares: Middle Eastern, 0.017%; no homozygotes.

Submissions (8):

Quest Diagnostics Nichols Institute San Juan Capistrano
Classification: Uncertain significance. Last evaluated: 2025-11-07. Review status: criteria provided, single submitter. Criteria: Quest Diagnostics criteria. Collection method: clinical testing. Allele origin: unknown.
Comment: The BRCA2 c.5386G>T (p.Asp1796Tyr) variant has been reported in the published literature in individuals and/or families affected with breast cancer (PMIDs: 31851867 (2020), 30254663 (2018)), and is described to be located in a region of the BRCA2 gene that is tolerant to missense sequence changes (PMID: 31911673 (2020)). This variant has not been reported in large, multi-ethnic general populations (Genome Aggregation Database). Analysis of this variant using bioinformatics tools for the prediction of the effect of amino acid changes on protein structure and function yielded predictions that this variant is benign. Based on the available information, we are unable to determine the clinical significance of this variant.

Labcorp Genetics (formerly Invitae), Labcorp
Classification: Uncertain significance for Hereditary breast ovarian cancer syndrome. Last evaluated: 2025-07-31. Review status: criteria provided, single submitter. Criteria: Invitae Variant Classification Sherloc (09022015). Collection method: clinical testing. Allele origin: germline.
Comment: This sequence change replaces aspartic acid, which is acidic and polar, with tyrosine, which is neutral and polar, at codon 1796 of the BRCA2 protein (p.Asp1796Tyr). This variant is not present in population databases (gnomAD no frequency). This missense change has been observed in individual(s) with breast and/or ovarian cancer (PMID: 30254663, 35451682). ClinVar contains an entry for this variant (Variation ID: 419201). Invitae Evidence Modeling of protein sequence and biophysical properties (such as structural, functional, and spatial information, amino acid conservation, physicochemical variation, residue mobility, and thermodynamic stability) indicates that this missense variant is not expected to disrupt BRCA2 protein function with a negative predictive value of 95%. In summary, the available evidence is currently insufficient to determine the role of this variant in disease. Therefore, it has been classified as a Variant of Uncertain Significance.

All of Us Research Program, National Institutes of Health
Classification: Uncertain significance for BRCA2-related cancer predisposition. Last evaluated: 2024-08-06. Review status: criteria provided, single submitter. Criteria: ACMG Guidelines, 2015. Collection method: clinical testing. Allele origin: germline. Inheritance: Autosomal dominant inheritance. Observed: 3 variant alleles, 3 heterozygotes.
Comment: This missense variant replaces aspartic acid with tyrosine at codon 1796 of the BRCA2 protein. Computational prediction suggests that this variant may not impact protein structure and function (internally defined REVEL score threshold <= 0.5, PMID: 27666373). To our knowledge, functional studies have not been reported for this variant. This variant has been reported in an individual affected with breast cancer (PMID: 30254663). This variant has not been identified in the general population by the Genome Aggregation Database (gnomAD). The available evidence is insufficient to determine the role of this variant in disease conclusively. Therefore, this variant is classified as a Variant of Uncertain Significance.

This study involves interpretation of variants in research participants for the purpose of population health screening. Participant phenotype was not available at the time of variant classification. Additional details can be found in publication PMID: 35346344, PMCID: PMC8962531

MGZ Medical Genetics Center
Classification: Likely benign for Familial cancer of breast. Last evaluated: 2024-02-09. Review status: criteria provided, single submitter. Criteria: CSpec BRCA1/2ACMG Rules Specifications V1.1.0. Collection method: clinical testing. Allele origin: germline. Affected: yes.
Comment: ACMG codes applied following ENIGMA VCEP rules: BP1_STR, PM2_SUP

Ambry Genetics
Classification: Uncertain significance for Hereditary cancer-predisposing syndrome. Last evaluated: 2023-08-25. Review status: criteria provided, single submitter. Criteria: Ambry Variant Classification Scheme 2023. Collection method: clinical testing. Allele origin: germline.
Comment: The p.D1796Y variant (also known as c.5386G>T), located in coding exon 10 of the BRCA2 gene, results from a G to T substitution at nucleotide position 5386. The aspartic acid at codon 1796 is replaced by tyrosine, an amino acid with highly dissimilar properties. This alteration has been identified in at least 2 patients who fulfilled established BRCA1/2 genetic testing criteria (Zuntini R et al. Front Genet, 2018 Sep;9:378; Peker Ey&uuml;bolu et al. OMICS, 2020 Jan;24:5-15). This amino acid position is poorly conserved in available vertebrate species. In addition, this alteration is predicted to be tolerated by in silico analysis. Since supporting evidence is limited at this time, the clinical significance of this alteration remains unclear.

University of Washington Department of Laboratory Medicine, University of Washington
Classification: Likely benign for Hereditary cancer-predisposing syndrome. Last evaluated: 2023-03-23. Review status: criteria provided, single submitter. Criteria: Dines et al. (Genet Med. 2020). Collection method: curation. Allele origin: germline.
Comment: Missense variant in a coldspot region where missense variants are very unlikely to be pathogenic (PMID:31911673).

BRCA2 exon 11 coldspot. Reclassification based on statistical prior probability.

GeneDx
Classification: Uncertain significance. Last evaluated: 2015-06-10. Review status: criteria provided, single submitter. Criteria: GeneDx Variant Classification (06012015). Collection method: clinical testing. Allele origin: germline. Affected: yes.
Comment: This variant is denoted BRCA2 c.5386G>T at the cDNA level, p.Asp1796Tyr (D1796Y) at the protein level, and results in the change of an Aspartic Acid to a Tyrosine (GAT>TAT). Using alternate nomenclature, this variant would be defined as BRCA2 5614G>T. This variant has not, to our knowledge, been published in the literature as pathogenic or benign. BRCA2 Asp1796Tyr was not observed in approximately 6,500 individuals of European and African American ancestry in the NHLBI Exome Sequencing Project, indicating it is not a common benign variant in these populations. Since Aspartic Acid and Tyrosine differ in polarity, charge, size or other properties, this is considered a non-conservative amino acid substitution. BRCA2 Asp1796Tyr occurs at a position that is not conserved and is located in the BRC repeats, RAD51 binding domain (Roy 2012). In silico analyses are inconsistent regarding the effect this variant may have on protein structure and function. Based on currently available information, it is unclear whether BRCA2 Asp1796Tyr is pathogenic or benign. We consider it to be a variant of uncertain significance.

Department of Medical and Surgical Sciences, University of Bologna
Classification: Likely benign for Breast-ovarian cancer, familial, susceptibility to, 2. Last evaluated: 2023-09-01. Review status: no assertion criteria provided. Collection method: clinical testing. Allele origin: germline. Affected: yes. Not counted in ClinVar's aggregate classification.
Comment: PM2(Supporting)+BP1(Strong) according to ACMG/AMP classification guidelines specified for BRCA1 & BRCA2 (Classification Criteria V1.0.0 2023-09-08) (PMID: 38160042)

Literature cited by the submitters: PubMed 30254663 (cited by 4 submitters); PubMed 31851867 (cited by Quest Diagnostics Nichols Institute San Juan Capistrano and Ambry Genetics); PubMed 35451682 (cited by Quest Diagnostics Nichols Institute San Juan Capistrano and Labcorp Genetics (formerly Invitae), Labcorp); PubMed 31911673 (cited by Quest Diagnostics Nichols Institute San Juan Capistrano).

NM_000059.4(BRCA2):c.5386G>T (p.Asp1796Tyr)

Gene: BRCA2 (BRCA2 DNA repair associated; plus strand). Cytogenetic location: 13q13.1.
Variant type: single nucleotide variant.
Coding change: c.5386G>T on transcript NM_000059.4 (MANE Select); coding-DNA position 5386, G replaced by T.
Protein change: p.Asp1796Tyr; replaces aspartic acid 1796 with tyrosine.
Molecular consequence: missense variant.
Genome position (GRCh38, 1-based): chr13:32,339,741, G>T. VCF-style: chr13-32339741-G-T. GRCh37 (hg19) VCF-style: chr13-32913878-G-T.
Other names: short protein forms D1796Y.
Identifiers: ClinVar variation 419201 (VCV000419201.21), dbSNP rs1064793715, ClinGen allele CA16619723.